The following is an entry in ClinVar:

NM_004519.4(KCNQ3):c.1694A>G (p.Gln565Arg)

Gene: KCNQ3 (potassium voltage-gated channel subfamily Q member 3; minus strand). Cytogenetic location: 8q24.22.
Variant type: single nucleotide variant.
Coding change: c.1694A>G on transcript NM_004519.4 (MANE Select); coding-DNA position 1694, A replaced by G.
Protein change: p.Gln565Arg; replaces glutamine 565 with arginine.
Molecular consequence: missense variant.
Genome position (GRCh38, 1-based): chr8:132,137,891, T>C on the plus strand (A>G on the coding strand, the complement: KCNQ3 is on the minus strand). VCF-style: chr8-132137891-T-C. GRCh37 (hg19) VCF-style: chr8-133150138-T-C.
Other names: c.1334A>G, p.Gln445Arg (NM_001204824.2); short protein forms Q565R, Q445R.
Identifiers: ClinVar variation 450476 (VCV000450476.5), dbSNP rs1003860988, ClinGen allele CA185432130.
Genomic context (GRCh38, chr8:132,137,891, plus strand): 5'-AAGGTTCATAGGGCTTTGAGGGGAGCGCAGTCCCTCCAGATGTGACTGTCTCACCTCGTC[T>C]GAAGGTACTTTATCCTGGAAAGCATGTCGAGATGCCCGGCAGAATACTGCTCAATCACAT-3'
Protein context (NP_004510.1, residues 555-575): LDMLSRIKYL[Gln565Arg]TRIDMIFTPG

ClinVar aggregate classification (germline): Uncertain significance. Review status: criteria provided, multiple submitters, no conflicts (2 of 4 stars). 4 submissions from 4 submitters: Uncertain significance (4). Last evaluated 2025-09-17.

Conditions:
KCNQ3-related disorder. Also called: KCNQ3-Related Disorders; KCNQ3-related condition. Identifiers: MedGen CN381530.
Benign neonatal seizures. Also called: Benign neonatal familial convulsions; Benign familial neonatal seizures; Convulsions benign familial neonatal dominant form; Autosomal dominant form of benign neonatal seizures; Benign familial neonatal epilepsy. Identifiers: Orphanet 1949, MedGen C0220669, MONDO:0016027.

Allele frequency attached by ClinVar (database versions not stated): TOPMed below 0.00001; gnomAD exomes 0.00001.
gnomAD v4.1: 7 of 1,614,126 alleles (0.00043%); highest among the groups gnomAD compares: Non-Finnish European, 0.00059%; no homozygotes.

Submissions (4):

Labcorp Genetics (formerly Invitae), Labcorp
Classification: Uncertain significance for Benign neonatal seizures. Last evaluated: 2025-09-17. Review status: criteria provided, single submitter. Criteria: Invitae Variant Classification Sherloc (09022015). Collection method: clinical testing. Allele origin: germline.
Comment: This sequence change replaces glutamine, which is neutral and polar, with arginine, which is basic and polar, at codon 565 of the KCNQ3 protein (p.Gln565Arg). This variant is not present in population databases (gnomAD no frequency). This variant has not been reported in the literature in individuals affected with KCNQ3-related conditions. ClinVar contains an entry for this variant (Variation ID: 450476). Invitae Evidence Modeling of protein sequence and biophysical properties (such as structural, functional, and spatial information, amino acid conservation, physicochemical variation, residue mobility, and thermodynamic stability) indicates that this missense variant is expected to disrupt KCNQ3 protein function with a positive predictive value of 80%. In summary, the available evidence is currently insufficient to determine the role of this variant in disease. Therefore, it has been classified as a Variant of Uncertain Significance.

PreventionGenetics, part of Exact Sciences
Classification: Uncertain significance for KCNQ3-related condition. Last evaluated: 2025-01-13. Review status: criteria provided, single submitter. Criteria: ACMG Guidelines, 2015. Collection method: clinical testing. Allele origin: germline.
Comment: The KCNQ3 c.1694A>G variant is predicted to result in the amino acid substitution p.Gln565Arg. To our knowledge, this variant has not been reported in the literature or in a large population database, indicating this variant is rare. At this time, the clinical significance of this variant is uncertain due to the absence of conclusive functional and genetic evidence.

Blueprint Genetics
Classification: Uncertain significance. Last evaluated: 2021-06-09. Review status: criteria provided, single submitter. Criteria: ACMG Guidelines, 2015. Collection method: clinical testing. Allele origin: germline.

GeneDx
Classification: Uncertain significance. Last evaluated: 2017-07-17. Review status: criteria provided, single submitter. Criteria: GeneDx Variant Classification (06012015). Collection method: clinical testing. Allele origin: germline. Affected: yes.
Comment: The Q565R variant has not been published as a pathogenic variant, nor has it been reported as a benign variant to our knowledge. The Q565R variant is not observed in large population cohorts (Lek et al., 2016; 1000 Genomes Consortium et al., 2015; Exome Variant Server). This variant is a semi-conservative amino acid substitution, which may impact secondary protein structure as these residues differ in some properties. This substitution occurs at a position that is conserved across species, and in silico analysis predicts this variant is probably damaging to the protein structure/function. However, missense variants in nearby residues have not been reported in the Human Gene Mutation Database in association with KCNQ3-related disorders (Stenson et al., 2014).